The following is an entry in ClinVar:

NM_001378454.1(ALMS1):c.749G>C (p.Ser250Thr)

Gene: ALMS1 (ALMS1 centrosome and basal body associated protein; plus strand). Cytogenetic location: 2p13.1.
Variant type: single nucleotide variant.
Coding change: c.749G>C on transcript NM_001378454.1 (MANE Select); coding-DNA position 749, G replaced by C.
Protein change: p.Ser250Thr; replaces serine 250 with threonine.
Molecular consequence: missense variant.
Genome position (GRCh38, 1-based): chr2:73,422,959, G>C. VCF-style: chr2-73422959-G-C. GRCh37 (hg19) VCF-style: chr2-73650087-G-C.
Other names: c.752G>C, p.Ser251Thr (NM_015120.4); short protein forms S250T, S251T.
Identifiers: ClinVar variation 1355838 (VCV001355838.6), dbSNP rs2103710757, ClinGen allele CA347260258.

ClinVar aggregate classification (germline): Uncertain significance (1 of 4 stars; one submission).

Conditions:
Alstrom syndrome (ALMS). Identifiers: Orphanet 64, MedGen C0268425, MONDO:0008763, OMIM 203800.

Submission:

Labcorp Genetics (formerly Invitae), Labcorp
Classification: Uncertain significance for Alstrom syndrome. Last evaluated: 2022-06-04. Review status: criteria provided, single submitter. Criteria: Invitae Variant Classification Sherloc (09022015). Collection method: clinical testing. Allele origin: germline.
Comment: This variant has not been reported in the literature in individuals affected with ALMS1-related conditions. This variant is not present in population databases (gnomAD no frequency). ClinVar contains an entry for this variant (Variation ID: 1355838). This sequence change replaces serine, which is neutral and polar, with threonine, which is neutral and polar, at codon 251 of the ALMS1 protein (p.Ser251Thr). In summary, the available evidence is currently insufficient to determine the role of this variant in disease. Therefore, it has been classified as a Variant of Uncertain Significance. Experimental studies and prediction algorithms are not available or were not evaluated, and the functional significance of this variant is currently unknown.